The following is an entry in ClinVar:

ClinVar aggregate classification (germline): Uncertain significance (1 of 4 stars; one submission).

Conditions:
BGN-related disorder. Also called: BGN-related condition.

gnomAD v4.1: 1 of 1,207,796 alleles (0.000083%); highest among the groups gnomAD compares: South Asian, 0.0018%; no homozygotes.

Submission:

PreventionGenetics, part of Exact Sciences
Classification: Uncertain significance for BGN-related condition. Last evaluated: 2023-04-07. Review status: criteria provided, single submitter. Criteria: ACMG Guidelines, 2015. Collection method: clinical testing. Allele origin: germline.
Comment: The BGN c.21C>A variant is not predicted to result in an amino acid change (p.=). This variant is predicted to create a cryptic splice acceptor site (Alamut Visual Plus v1.6.1). To our knowledge, this variant has not been reported in the literature or in a large population database, indicating this variant is rare. At this time, the clinical significance of this variant is uncertain due to the absence of conclusive functional and genetic evidence.

NM_001711.6(BGN):c.21C>A (p.Leu7=)

Gene: BGN (biglycan; plus strand). Cytogenetic location: Xq28.
Variant type: single nucleotide variant.
Coding change: c.21C>A on transcript NM_001711.6 (MANE Select); coding-DNA position 21, C replaced by A.
Protein change: p.Leu7=; no amino-acid change (leucine 7 retained).
Molecular consequence: synonymous variant.
Genome position (GRCh38, 1-based): chrX:153,504,652, C>A. VCF-style: chrX-153504652-C-A. GRCh37 (hg19) VCF-style: chrX-152770110-C-A.
Identifiers: ClinVar variation 2630447 (VCV002630447.1), dbSNP rs199928539, ClinGen allele CA519187950.